The following is an entry in ClinVar:

ClinVar aggregate classification (germline): Likely benign. Review status: criteria provided, multiple submitters, no conflicts (2 of 4 stars). 3 submissions from 3 submitters: Likely benign (3). Last evaluated 2026-03-02.

Conditions:
Inborn genetic diseases. Identifiers: MedGen C0950123, MeSH D030342.
MAST1-related disorder. Also called: MAST1-related condition.

Allele frequency attached by ClinVar (database versions not stated): gnomAD exomes 0.00003; ExAC 0.00011; 1000 Genomes Project 30x 0.00016; 1000 Genomes Project 0.00020; gnomAD 0.00034; TOPMed 0.00037; ESP Exome Variant Server 0.00069.
gnomAD v4.1: 91 of 1,614,122 alleles (0.0056%); highest among the groups gnomAD compares: African/African-American, 0.11%; no homozygotes.

Submissions (3):

PreventionGenetics, part of Exact Sciences
Classification: Likely benign for MAST1-related condition. Last evaluated: 2026-03-02. Review status: criteria provided, single submitter. Criteria: ACMG Guidelines, 2015. Collection method: clinical testing. Allele origin: germline.
Comment: This variant is classified as likely benign based on ACMG/AMP sequence variant interpretation guidelines (Richards et al. 2015 PMID: 25741868, with internal and published modifications).

Labcorp Genetics (formerly Invitae), Labcorp
Classification: Likely benign. Last evaluated: 2024-04-08. Review status: criteria provided, single submitter. Criteria: Invitae Variant Classification Sherloc (09022015). Collection method: clinical testing. Allele origin: germline.

Ambry Genetics
Classification: Likely benign for Inborn genetic diseases. Last evaluated: 2024-01-09. Review status: criteria provided, single submitter. Criteria: Ambry Variant Classification Scheme 2023. Collection method: clinical testing. Allele origin: germline.

NM_014975.3(MAST1):c.2894G>A (p.Arg965His)

Gene: MAST1 (microtubule associated serine/threonine kinase 1; plus strand). Cytogenetic location: 19p13.13.
Variant type: single nucleotide variant.
Coding change: c.2894G>A on transcript NM_014975.3 (MANE Select); coding-DNA position 2894, G replaced by A.
Protein change: p.Arg965His; replaces arginine 965 with histidine.
Molecular consequence: missense variant.
Genome position (GRCh38, 1-based): chr19:12,869,186, G>A. VCF-style: chr19-12869186-G-A. GRCh37 (hg19) VCF-style: chr19-12980000-G-A.
Other names: c.2894G>A (NM_014975.2); short protein forms R965H.
Identifiers: ClinVar variation 1967102 (VCV001967102.7), dbSNP rs140162728, ClinGen allele CA9233264.